The following is an entry in ClinVar:

ClinVar aggregate classification (germline): Uncertain significance (1 of 4 stars; one submission).

Conditions:
Perlman syndrome (PRLMNS). Identifiers: Orphanet 2849, MedGen C0796113, MONDO:0009965, OMIM 267000.

Allele frequency attached by ClinVar (database versions not stated): gnomAD exomes below 0.00001; TOPMed below 0.00001.
gnomAD v4.1: 2 of 1,611,540 alleles (0.00012%); highest among the groups gnomAD compares: Non-Finnish European, 0.00017%; no homozygotes.

Submission:

Labcorp Genetics (formerly Invitae), Labcorp
Classification: Uncertain significance for Perlman syndrome. Last evaluated: 2019-01-29. Review status: criteria provided, single submitter. Criteria: Invitae Variant Classification Sherloc (09022015). Collection method: clinical testing. Allele origin: germline.
Comment: In summary, the available evidence is currently insufficient to determine the role of this variant in disease. Therefore, it has been classified as a Variant of Uncertain Significance. Algorithms developed to predict the effect of missense changes on protein structure and function are either unavailable or do not agree on the potential impact of this missense change (SIFT: "Deleterious"; PolyPhen-2: "Probably Damaging"; Align-GVGD: "Class C0"). This variant has not been reported in the literature in individuals with DIS3L2-related conditions. This variant is not present in population databases (ExAC no frequency). This sequence change replaces valine with methionine at codon 111 of the DIS3L2 protein (p.Val111Met). The valine residue is highly conserved and there is a small physicochemical difference between valine and methionine.

NM_152383.5(DIS3L2):c.331G>A (p.Val111Met)

Gene: DIS3L2 (DIS3 like 3'-5' exoribonuclease 2; plus strand). Cytogenetic location: 2q37.1.
Variant type: single nucleotide variant.
Coding change: c.331G>A on transcript NM_152383.5 (MANE Select); coding-DNA position 331, G replaced by A.
Protein change: p.Val111Met; replaces valine 111 with methionine.
Molecular consequence: missense variant. On other transcripts: non-coding transcript variant (2).
Genome position (GRCh38, 1-based): chr2:232,030,045, G>A. VCF-style: chr2-232030045-G-A. GRCh37 (hg19) VCF-style: chr2-232894755-G-A.
Other names: c.331G>A, p.Val111Met (NM_001257281.2, NM_001257282.2); short protein forms V111M.
Identifiers: ClinVar variation 852513 (VCV000852513.9), dbSNP rs1219666991, ClinGen allele CA351152981.